The following is an entry in ClinVar:

ClinVar aggregate classification (germline): Uncertain significance. Review status: criteria provided, multiple submitters, no conflicts (2 of 4 stars). 2 submissions from 2 submitters: Uncertain significance (2). Last evaluated 2024-02-20.

Conditions:
Hereditary cancer-predisposing syndrome. Also called: Hereditary neoplastic syndrome; Tumor predisposition; Hereditary Cancer Syndrome; Neoplastic Syndromes, Hereditary. Identifiers: Orphanet 140162, MedGen C0027672, MeSH D009386, MONDO:0015356.

Submissions (2):

Ambry Genetics
Classification: Uncertain significance for Hereditary cancer-predisposing syndrome. Last evaluated: 2024-02-20. Review status: criteria provided, single submitter. Criteria: Ambry Variant Classification Scheme 2023. Collection method: clinical testing. Allele origin: germline.
Comment: The p.T2834R variant (also known as c.8501C>G), located in coding exon 19 of the BRCA2 gene, results from a C to G substitution at nucleotide position 8501. The threonine at codon 2834 is replaced by arginine, an amino acid with similar properties. This amino acid position is conserved. In addition, the in silico prediction for this alteration is inconclusive. Based on the available evidence, the clinical significance of this alteration remains unclear.

Women's Health and Genetics/Laboratory Corporation of America, LabCorp
Classification: Uncertain significance. Last evaluated: 2016-03-21. Review status: criteria provided, single submitter. Criteria: LabCorp Variant Classification Summary - May 2015. Collection method: clinical testing. Allele origin: germline.
Comment: Variant summary: BRCA2 c.8501C>G affects a non-conserved nucleotide, resulting in an amino acid change from Thr to Arg. 5/5 in-silico tools predict this variant to be damaging. This variant was not found in 121298 control chromosomes. The variant of interest, to our knowledge, has not been reported in affected individuals via publications and/or reputable databases/clinical laboratories; nor evaluated for functional impact by in vivo/vitro studies. Because of the absence of clinical information and the lack of functional studies, the variant was classified as a variant of uncertain significance (VUS) until additional information becomes available.

NM_000059.4(BRCA2):c.8501C>G (p.Thr2834Arg)

Gene: BRCA2 (BRCA2 DNA repair associated; plus strand). Cytogenetic location: 13q13.1.
Variant type: single nucleotide variant.
Coding change: c.8501C>G on transcript NM_000059.4 (MANE Select); coding-DNA position 8501, C replaced by G.
Protein change: p.Thr2834Arg; replaces threonine 2834 with arginine.
Molecular consequence: missense variant.
Genome position (GRCh38, 1-based): chr13:32,370,969, C>G. VCF-style: chr13-32370969-C-G. GRCh37 (hg19) VCF-style: chr13-32945106-C-G.
Other names: short protein forms T2834R.
Identifiers: ClinVar variation 495508 (VCV000495508.2), dbSNP rs1555287733, ClinGen allele CA387752686.